The following is an entry in ClinVar:

ClinVar aggregate classification (germline): Uncertain significance (1 of 4 stars; one submission).

gnomAD v4.1: 13 of 1,613,464 alleles (0.00081%); highest among the groups gnomAD compares: African/African-American, 0.012%; no homozygotes.

Submission:

Women's Health and Genetics/Laboratory Corporation of America, LabCorp
Classification: Uncertain significance. Last evaluated: 2026-01-28. Review status: criteria provided, single submitter. Criteria: LabCorp Variant Classification Summary - May 2015. Collection method: clinical testing. Allele origin: germline.
Comment: Variant summary: DIP2B c.3641+4G>A alters a non-conserved nucleotide located close to a canonical splice site and therefore could affect mRNA splicing, leading to a significantly altered protein sequence. The variant allele was found at a frequency of 1.6e-05 in 251072 control chromosomes. The available data on variant occurrences in the general population are insufficient to allow any conclusion about variant significance. To our knowledge, no occurrence of c.3641+4G>A in individuals affected with DIP2B-related conditions and no experimental evidence demonstrating its impact on protein function have been reported. No submitters have cited clinical-significance assessments for this variant to ClinVar. Based on the evidence outlined above, the variant was classified as uncertain significance.

NM_173602.3(DIP2B):c.3641+4G>A

Gene: DIP2B (DIP2 acetate--CoA ligase B (putative); plus strand). Cytogenetic location: 12q13.12.
Variant type: single nucleotide variant.
Coding change: c.3641+4G>A on transcript NM_173602.3 (MANE Select); 4 bases into the intron after coding-DNA position 3641, G replaced by A.
Molecular consequence: intron variant.
Genome position (GRCh38, 1-based): chr12:50,728,682, G>A. VCF-style: chr12-50728682-G-A. GRCh37 (hg19) VCF-style: chr12-51122465-G-A.
Identifiers: ClinVar variation 4689211 (VCV004689211.1).
Genomic context (GRCh38, chr12:50,728,682, plus strand): 5'-CGCCATCTGCCTTGACCCTTACTGTGGACTTGGCTTCGCGCTCTGGTGTCTCTGCAGGTA[G>A]GGATGGAAAAGCCAAGGAGACAGAATGTGTGGGGGTATACTTTGTGGCCATGGCCATCTC-3'